The following is an entry in ClinVar:

ClinVar aggregate classification (germline): Benign/Likely benign. Review status: criteria provided, multiple submitters, no conflicts (2 of 4 stars). 2 submissions from 2 submitters: Benign (1); Likely benign (1). Last evaluated 2025-11-10.

Allele frequency attached by ClinVar (database versions not stated): TOPMed 0.00010; gnomAD 0.00015; 1000 Genomes Project 30x 0.00016.
gnomAD v4.1: 27 of 1,335,316 alleles (0.002%); highest among the groups gnomAD compares: African/African-American, 0.041%; no homozygotes.

Submissions (2):

Women's Health and Genetics/Laboratory Corporation of America, LabCorp
Classification: Likely benign. Last evaluated: 2025-11-10. Review status: criteria provided, single submitter. Criteria: LabCorp Variant Classification Summary - May 2015. Collection method: clinical testing. Allele origin: germline.
Comment: Variant summary: ADCY5 c.325G>T (p.Asp109Tyr) results in a non-conservative amino acid change in the encoded protein sequence. Algorithms developed to predict the effect of missense changes on protein structure and function are either unavailable or do not agree on the potential impact of this missense change. The variant allele was found at a frequency of 2e-05 in 1335316 control chromosomes. The observed variant frequency exceeds the estimated maximal expected allele frequency for disease-causing variants in ADCY5. To our knowledge, no occurrence of c.325G>T in individuals affected with ADCY5-related conditions and no experimental evidence demonstrating its impact on protein function have been reported. ClinVar contains an entry for this variant (Variation ID: 2421548). Based on the evidence outlined above, the variant was classified as likely benign.

Labcorp Genetics (formerly Invitae), Labcorp
Classification: Benign. Last evaluated: 2025-07-13. Review status: criteria provided, single submitter. Criteria: Invitae Variant Classification Sherloc (09022015). Collection method: clinical testing. Allele origin: germline.

NM_183357.3(ADCY5):c.325G>T (p.Asp109Tyr)

Gene: ADCY5 (adenylate cyclase 5; minus strand). Cytogenetic location: 3q21.1.
Variant type: single nucleotide variant.
Coding change: c.325G>T on transcript NM_183357.3 (MANE Select); coding-DNA position 325, G replaced by T.
Protein change: p.Asp109Tyr; replaces aspartic acid 109 with tyrosine.
Molecular consequence: missense variant.
Genome position (GRCh38, 1-based): chr3:123,448,221, C>A on the plus strand (G>T on the coding strand, the complement: ADCY5 is on the minus strand). VCF-style: chr3-123448221-C-A. GRCh37 (hg19) VCF-style: chr3-123167068-C-A.
Other names: c.325G>T, p.Asp109Tyr (NM_001378259.1); short protein forms D109Y.
Identifiers: ClinVar variation 2421548 (VCV002421548.7), dbSNP rs754662303, ClinGen allele CA2577695.